The following is an entry in ClinVar:

ClinVar aggregate classification (germline): Likely benign. Review status: criteria provided, multiple submitters, no conflicts (2 of 4 stars). 3 submissions from 3 submitters: Likely benign (3). Last evaluated 2026-01-22.

Conditions:
MYOM1-related disorder.
Hypertrophic cardiomyopathy. Also called: HYPERTROPHIC MYOCARDIOPATHY. Identifiers: Orphanet 217569, MedGen C0007194, MeSH D002312, MONDO:0005045, HP:0001639.

Allele frequency attached by ClinVar (database versions not stated): TOPMed 0.00059; ESP Exome Variant Server 0.00091.
gnomAD v4.1: 1,579 of 1,611,152 alleles (0.098%); highest among the groups gnomAD compares: Non-Finnish European, 0.13%; 2 homozygotes.

Submissions (3):

Labcorp Genetics (formerly Invitae), Labcorp
Classification: Likely benign for Hypertrophic cardiomyopathy. Last evaluated: 2026-01-22. Review status: criteria provided, single submitter. Criteria: Invitae Variant Classification Sherloc (09022015). Collection method: clinical testing. Allele origin: germline.

PreventionGenetics, part of Exact Sciences
Classification: Likely benign for MYOM1-related condition. Last evaluated: 2025-07-28. Review status: criteria provided, single submitter. Criteria: ACMG Guidelines, 2015. Collection method: clinical testing. Allele origin: germline.
Comment: This variant is classified as likely benign based on ACMG/AMP sequence variant interpretation guidelines (Richards et al. 2015 PMID: 25741868, with internal and published modifications).

Ambry Genetics
Classification: Likely benign. Last evaluated: 2022-05-11. Review status: criteria provided, single submitter. Criteria: Ambry Variant Classification Scheme 2023. Collection method: clinical testing. Allele origin: germline.

NM_003803.4(MYOM1):c.3291C>T (p.Asn1097=)

Gene: MYOM1 (myomesin 1; minus strand). Cytogenetic location: 18p11.31.
Variant type: single nucleotide variant.
Coding change: c.3291C>T on transcript NM_003803.4 (MANE Select); coding-DNA position 3291, C replaced by T.
Protein change: p.Asn1097=; no amino-acid change (asparagine 1097 retained).
Molecular consequence: synonymous variant.
Genome position (GRCh38, 1-based): chr18:3,116,343, G>A on the plus strand (C>T on the coding strand, the complement: MYOM1 is on the minus strand). VCF-style: chr18-3116343-G-A. GRCh37 (hg19) VCF-style: chr18-3116341-G-A.
Other names: c.3003C>T, p.Asn1001= (NM_019856.2).
Identifiers: ClinVar variation 416027 (VCV000416027.13), dbSNP rs201092091, ClinGen allele CA8874363.